The following is an entry in ClinVar:

NM_001127644.2(GABRA1):c.703+8C>T

Gene: GABRA1 (gamma-aminobutyric acid type A receptor subunit alpha1; plus strand). Cytogenetic location: 5q34.
Variant type: single nucleotide variant.
Coding change: c.703+8C>T on transcript NM_001127644.2 (MANE Select); 8 bases into the intron after coding-DNA position 703, C replaced by T.
Molecular consequence: intron variant.
Genome position (GRCh38, 1-based): chr5:161,882,709, C>T. VCF-style: chr5-161882709-C-T. GRCh37 (hg19) VCF-style: chr5-161309715-C-T.
Other names: c.703+8C>T (NM_000806.5, NM_001127643.2, NM_001127645.2 and 1 more transcripts).
Identifiers: ClinVar variation 1117773 (VCV001117773.14), dbSNP rs376693195, ClinGen allele CA3544486.

ClinVar aggregate classification (germline): Likely benign. Review status: criteria provided, multiple submitters, no conflicts (2 of 4 stars). 3 submissions from 3 submitters: Likely benign (3). Last evaluated 2026-01-12.

Conditions:
Epilepsy, childhood absence 4 (ECA4). Also called: EPILEPSY, CHILDHOOD ABSENCE, SUSCEPTIBILITY TO, 4. Identifiers: Orphanet 307, MedGen C1970160.
Epilepsy, idiopathic generalized, susceptibility to, 13. Also called: EPILEPSY, JUVENILE MYOCLONIC, SUSCEPTIBILITY TO, 5. Identifiers: Orphanet 307, Orphanet 64280, MedGen C4013473, MONDO:0012627, OMIM 611136.
Idiopathic generalized epilepsy. Also called: EIG; Generalised epilepsy. Identifiers: MedGen C0270850, MONDO:0005579, OMIM 600669.

gnomAD v4.1: 25 of 1,612,018 alleles (0.0016%); highest among the groups gnomAD compares: Admixed American, 0.005%; no homozygotes.

Submissions (3):

Labcorp Genetics (formerly Invitae), Labcorp
Classification: Likely benign for Epilepsy, childhood absence 4; Epilepsy, idiopathic generalized, susceptibility to, 13; Idiopathic generalized epilepsy. Last evaluated: 2026-01-12. Review status: criteria provided, single submitter. Criteria: Invitae Variant Classification Sherloc (09022015). Collection method: clinical testing. Allele origin: germline.

CeGaT Center for Human Genetics Tuebingen
Classification: Likely benign. Last evaluated: 2026-01-01. Review status: criteria provided, single submitter. Criteria: CeGaT Center For Human Genetics Tuebingen Variant Classification Criteria Version 2. Collection method: clinical testing. Allele origin: germline. Affected: yes. Observed: 1 variant allele.
Comment: GABRA1: BP4

Blueprint Genetics
Classification: Likely benign. Last evaluated: 2024-09-17. Review status: criteria provided, single submitter. Criteria: ACMG Guidelines, 2015. Collection method: clinical testing. Allele origin: germline.